The following is an entry in ClinVar:

NM_001042492.3(NF1):c.6599C>T (p.Thr2200Ile)

Gene: NF1 (neurofibromin 1; plus strand). Cytogenetic location: 17q11.2.
Variant type: single nucleotide variant.
Coding change: c.6599C>T on transcript NM_001042492.3 (MANE Select); coding-DNA position 6599, C replaced by T.
Protein change: p.Thr2200Ile; replaces threonine 2200 with isoleucine.
Molecular consequence: missense variant.
Genome position (GRCh38, 1-based): chr17:31,337,539, C>T. VCF-style: chr17-31337539-C-T. GRCh37 (hg19) VCF-style: chr17-29664557-C-T.
Other names: c.6536C>T, p.Thr2179Ile (NM_000267.4); short protein forms T2200I, T2179I.
Identifiers: ClinVar variation 3404616 (VCV003404616.2).

ClinVar aggregate classification (germline): Uncertain significance. Review status: criteria provided, multiple submitters, no conflicts (2 of 4 stars). 2 submissions from 2 submitters: Uncertain significance (2). Last evaluated 2025-03-24.

Conditions:
Neurofibromatosis, type 1 (NF1). Also called: NEUROFIBROMATOSIS, TYPE I, SOMATIC; Neurofibromatosis, type I; Peripheral type neurofibromatosis; VON RECKLINGHAUSEN DISEASE. Identifiers: Orphanet 636, MedGen C0027831, MONDO:0018975, OMIM 162200. Disease mechanism: loss of function.
Hereditary cancer-predisposing syndrome. Also called: Hereditary Cancer Syndrome; Hereditary neoplastic syndrome; Neoplastic Syndromes, Hereditary; Tumor predisposition. Identifiers: Orphanet 140162, MedGen C0027672, MeSH D009386, MONDO:0015356.
Cardiovascular phenotype. Identifiers: MedGen CN230736.

Submissions (2):

Labcorp Genetics (formerly Invitae), Labcorp
Classification: Uncertain significance for Neurofibromatosis, type 1. Last evaluated: 2025-03-24. Review status: criteria provided, single submitter. Criteria: Invitae Variant Classification Sherloc (09022015). Collection method: clinical testing. Allele origin: germline.
Comment: This sequence change replaces threonine, which is neutral and polar, with isoleucine, which is neutral and non-polar, at codon 2179 of the NF1 protein (p.Thr2179Ile). This variant is not present in population databases (gnomAD no frequency). This variant has not been reported in the literature in individuals affected with NF1-related conditions. ClinVar contains an entry for this variant (Variation ID: 3404616). Invitae Evidence Modeling of protein sequence and biophysical properties (such as structural, functional, and spatial information, amino acid conservation, physicochemical variation, residue mobility, and thermodynamic stability) indicates that this missense variant is not expected to disrupt NF1 protein function with a negative predictive value of 95%. In summary, the available evidence is currently insufficient to determine the role of this variant in disease. Therefore, it has been classified as a Variant of Uncertain Significance.

Ambry Genetics
Classification: Uncertain significance for Cardiovascular phenotype; Hereditary cancer-predisposing syndrome. Last evaluated: 2024-11-24. Review status: criteria provided, single submitter. Criteria: Ambry Variant Classification Scheme 2023. Collection method: clinical testing. Allele origin: germline.
Comment: The p.T2179I variant (also known as c.6536C>T), located in coding exon 42 of the NF1 gene, results from a C to T substitution at nucleotide position 6536. The threonine at codon 2179 is replaced by isoleucine, an amino acid with similar properties. This amino acid position is conserved. In addition, this alteration is predicted to be tolerated by in silico analysis. Based on the available evidence, the clinical significance of this variant remains unclear.